The following is an entry in ClinVar:

ClinVar aggregate classification (germline): Pathogenic (1 of 4 stars; one submission).

Conditions:
Tuberous sclerosis 2 (TSC2). Identifiers: Orphanet 805, MedGen C1860707, MONDO:0013199, OMIM 613254.

Submission:

Labcorp Genetics (formerly Invitae), Labcorp
Classification: Pathogenic for Tuberous sclerosis 2. Last evaluated: 2021-01-30. Review status: criteria provided, single submitter. Criteria: Invitae Variant Classification Sherloc (09022015). Collection method: clinical testing. Allele origin: germline.
Comment: For these reasons, this variant has been classified as Pathogenic. This variant has not been reported in the literature in individuals with TSC2-related conditions. This variant is not present in population databases (ExAC no frequency). This sequence change creates a premature translational stop signal (p.Asp1636Argfs*17) in the TSC2 gene. It is expected to result in an absent or disrupted protein product. Loss-of-function variants in TSC2 are known to be pathogenic (PMID: 10205261, 17304050).

Literature cited by the submitters: PubMed 10205261; PubMed 17304050.

NM_000548.5(TSC2):c.4905dup (p.Asp1636fs)

Gene: TSC2 (TSC complex subunit 2; plus strand). Cytogenetic location: 16p13.3.
Variant type: Duplication.
Coding change: c.4905dup on transcript NM_000548.5 (MANE Select); coding-DNA position 4905, one base duplicated (C; older notation c.4905dupC).
Protein change: p.Asp1636fs; shifts the reading frame from aspartic acid 1636.
Molecular consequence: frameshift variant.
Genome position (GRCh38, 1-based): chr16:2,086,787, C duplicated. VCF-style (leftmost placement, unchanged base first): chr16-2086786-G-GC. GRCh37 (hg19) VCF-style: chr16-2136787-G-GC.
Other names: c.4707dup, p.Asp1570fs (NM_001363528.2); c.4773dup, p.Asp1592fs (NM_001370404.1); c.4776dup, p.Asp1593fs (NM_001370405.1, NM_021055.3); c.4704dup, p.Asp1569fs (NM_001077183.3); c.4836dup, p.Asp1613fs (NM_001114382.3); c.4596dup, p.Asp1533fs (NM_001318827.2); c.4560dup, p.Asp1521fs (NM_001318829.2); c.4173dup, p.Asp1392fs (NM_001318831.2); and 1 more; short protein forms D1570fs, D1580fs, D1592fs, D1521fs, D1569fs, D1593fs, D1392fs, D1533fs.
Identifiers: ClinVar variation 1392279 (VCV001392279.6), dbSNP rs2151586233, ClinGen allele CA2573151957.
Genomic context (GRCh38, chr16:2,086,786, plus strand): 5'-CCTCAGCCGTCTTCCACATCGCCACCCTGATGCCCACCAAGGACGTGGACAAGCACCGCT[G>GC]CGACAAGAAGCGCCACCTGGGCAACGACTTTGTGTCCATTGTCTACAATGACTCCGGTGA-3'